The following is an entry in ClinVar:

ClinVar aggregate classification (germline): Uncertain significance. Review status: criteria provided, multiple submitters, no conflicts (2 of 4 stars). 2 submissions from 2 submitters: Uncertain significance (2). Last evaluated 2025-01-02.

Conditions:
Marfan syndrome (MFS). Also called: MARFAN SYNDROME, TYPE I; Marfan syndrome type 1; Marfan's syndrome; FBN1-Related Marfan Syndrome; Marfan syndrome, classic. Identifiers: Orphanet 284963, Orphanet 558, MedGen C0024796, MONDO:0007947, OMIM 154700.

Submissions (2):

GeneDx
Classification: Uncertain significance. Last evaluated: 2025-01-02. Review status: criteria provided, single submitter. Criteria: GeneDx Variant Classification Process June 2021. Collection method: clinical testing. Allele origin: germline. Affected: yes.
Comment: Not observed at significant frequency in large population cohorts (gnomAD); In silico analysis supports a deleterious effect on splicing; Has not been previously published as pathogenic or benign to our knowledge

All of Us Research Program, National Institutes of Health
Classification: Uncertain significance for Marfan syndrome. Last evaluated: 2024-05-30. Review status: criteria provided, single submitter. Criteria: ACMG Guidelines, 2015. Collection method: clinical testing. Allele origin: germline. Inheritance: Autosomal dominant inheritance. Observed: 1 variant allele, 1 heterozygote.
Comment: This variant is located in the FBN1 protein. To our knowledge, functional studies have not been reported for this variant. This variant has not been reported in individuals affected with FBN1-related disorders in the literature. This variant has not been identified in the general population by the Genome Aggregation Database (gnomAD). The available evidence is insufficient to determine the role of this variant in disease conclusively. Therefore, this variant is classified as a Variant of Uncertain Significance.

This study involves interpretation of variants in research participants for the purpose of population health screening. Participant phenotype was not available at the time of variant classification. Additional details can be found in publication PMID: 35346344, PMCID: PMC8962531

NM_000138.5(FBN1):c.735A>G (p.Gln245=)

Gene: FBN1 (fibrillin 1; minus strand). Cytogenetic location: 15q21.1.
Variant type: single nucleotide variant.
Coding change: c.735A>G on transcript NM_000138.5 (MANE Select); coding-DNA position 735, A replaced by G.
Protein change: p.Gln245=; no amino-acid change (glutamine 245 retained).
Molecular consequence: synonymous variant.
Genome position (GRCh38, 1-based): chr15:48,537,612, T>C on the plus strand (A>G on the coding strand, the complement: FBN1 is on the minus strand). VCF-style: chr15-48537612-T-C. GRCh37 (hg19) VCF-style: chr15-48829809-T-C.
Other names: c.735A>G, p.Gln245= (NM_001406716.1, NM_001406717.1).
Identifiers: ClinVar variation 3386864 (VCV003386864.2).
Genomic context (GRCh38, chr15:48,537,612, plus strand): 5'-AATGGCTCTCCAGAGCAAATAAGATTAATCCATTAATAATTCCATCAGCCCGGGTTTACC[T>C]TGACAAGCTCCCGTGCGGATATTTGGAATGAAGCCACGGCGGCAGGGGTGAGGCTGGGCA-3'
Protein context (NP_000129.3, residues 235-255): FIPNIRTGAC[Gln245=]DVDECQAIPG